The following is an entry in ClinVar:

NM_001277115.2(DNAH11):c.13444A>G (p.Arg4482Gly)

Genes: CDCA7L (cell division cycle associated 7 like; minus strand), DNAH11 (dynein axonemal heavy chain 11; plus strand). Cytogenetic location: 7p15.3.
Variant type: single nucleotide variant.
Coding change: c.13444A>G on transcript NM_001277115.2 (MANE Select); coding-DNA position 13444, A replaced by G.
Protein change: p.Arg4482Gly; replaces arginine 4482 with glycine.
Molecular consequence: missense variant. On other transcripts: 3 prime UTR variant (3).
Genome position (GRCh38, 1-based): chr7:21,901,147, A>G. VCF-style: chr7-21901147-A-G. GRCh37 (hg19) VCF-style: chr7-21940765-A-G.
Other names: c.*1175T>C (NM_001127370.3, NM_001127371.3, NM_018719.5); short protein forms R4482G.
Identifiers: ClinVar variation 955033 (VCV000955033.1), dbSNP rs1784802858, ClinGen allele CA366957082.

ClinVar aggregate classification (germline): Uncertain significance (1 of 4 stars; one submission).

Conditions:
Primary ciliary dyskinesia. Also called: Ciliary dyskinesia. Identifiers: Orphanet 244, MedGen C0008780, MONDO:0016575, HP:0012265.

Submission:

Labcorp Genetics (formerly Invitae), Labcorp
Classification: Uncertain significance for Primary ciliary dyskinesia. Last evaluated: 2019-08-28. Review status: criteria provided, single submitter. Criteria: Invitae Variant Classification Sherloc (09022015). Collection method: clinical testing. Allele origin: germline.
Comment: This sequence change replaces arginine with glycine at codon 4482 of the DNAH11 protein (p.Arg4482Gly). The arginine residue is weakly conserved and there is a moderate physicochemical difference between arginine and glycine. This variant is not present in population databases (ExAC no frequency). This variant has not been reported in the literature in individuals with DNAH11-related conditions. Algorithms developed to predict the effect of missense changes on protein structure and function are either unavailable or do not agree on the potential impact of this missense change (SIFT: "Deleterious"; PolyPhen-2: "Benign"; Align-GVGD: "Class C0"). In summary, the available evidence is currently insufficient to determine the role of this variant in disease. Therefore, it has been classified as a Variant of Uncertain Significance.